The following is an entry in ClinVar:

ClinVar aggregate classification (germline): Uncertain significance (1 of 4 stars; one submission).

Conditions:
Inborn genetic diseases. Identifiers: MedGen C0950123, MeSH D030342.

Submission:

Ambry Genetics
Classification: Uncertain significance for Inborn genetic diseases. Last evaluated: 2026-04-16. Review status: criteria provided, single submitter. Criteria: Ambry Variant Classification Scheme 2023. Collection method: clinical testing. Allele origin: germline.
Comment: The c.2933A>G (p.E978G) alteration is located in exon 15 (coding exon 15) of the SPTB gene. This alteration results from a A to G substitution at nucleotide position 2933, causing the glutamic acid (E) at amino acid position 978 to be replaced by a glycine (G). Based on data from gnomAD, the G allele has an overall frequency of <0.001% (0/251344) total alleles studied. The highest observed frequency was <0.001% (/) of alleles. Based on insufficient or conflicting evidence, the clinical significance of this alteration remains unclear.

NM_001355436.2(SPTB):c.2933A>G (p.Glu978Gly)

Gene: SPTB (spectrin beta, erythrocytic; minus strand). Cytogenetic location: 14q23.3.
Variant type: single nucleotide variant.
Coding change: c.2933A>G on transcript NM_001355436.2 (MANE Select); coding-DNA position 2933, A replaced by G.
Protein change: p.Glu978Gly; replaces glutamic acid 978 with glycine.
Molecular consequence: missense variant.
Genome position (GRCh38, 1-based): chr14:64,787,032, T>C on the plus strand (A>G on the coding strand, the complement: SPTB is on the minus strand). VCF-style: chr14-64787032-T-C. GRCh37 (hg19) VCF-style: chr14-65253750-T-C.
Other names: NM_000347.5:c.2933A>G; c.2933A>G, p.Glu978Gly (NM_001024858.4, NM_001355437.2); short protein forms E978G.
Identifiers: ClinVar variation 4865075 (VCV004865075.1).